The following is an entry in ClinVar:

NM_005357.4(LIPE):c.2152C>T (p.Arg718Ter)

Genes: LIPE (lipase E, hormone sensitive type; minus strand), LIPE-AS1 (LIPE antisense RNA 1; plus strand), LOC101930071 (uncharacterized LOC101930071; plus strand). Cytogenetic location: 19q13.2.
Variant type: single nucleotide variant.
Coding change: c.2152C>T on transcript NM_005357.4 (MANE Select); coding-DNA position 2152, C replaced by T.
Protein change: p.Arg718Ter; replaces arginine 718 with a stop codon.
Molecular consequence: nonsense.
Genome position (GRCh38, 1-based): chr19:42,406,374, G>A on the plus strand (C>T on the coding strand, the complement: LIPE is on the minus strand). VCF-style: chr19-42406374-G-A. GRCh37 (hg19) VCF-style: chr19-42910526-G-A.
Other names: c.2152C>T (NM_005357.3); short protein forms R718*.
Identifiers: ClinVar variation 1028370 (VCV001028370.4), dbSNP rs1361929051, ClinGen allele CA406095089.

ClinVar aggregate classification (germline): Likely pathogenic. Review status: criteria provided, multiple submitters, no conflicts (2 of 4 stars). 4 submissions from 4 submitters: Likely pathogenic (4). Last evaluated 2026-05-21.

Conditions:
LIPE-related familial partial lipodystrophy. Also called: Familial partial lipodystrophy 6; LIPODYSTROPHY, FAMILIAL PARTIAL, ASSOCIATED WITH LIPE MUTATIONS. Identifiers: Orphanet 435660, MedGen C4014869, MONDO:0014431, OMIM 615980.
LIPE-related disorder. Also called: LIPE-related condition.

Allele frequency attached by ClinVar (database versions not stated): gnomAD exomes below 0.00001; gnomAD 0.00001; TOPMed 0.00001.
gnomAD v4.1: 7 of 1,613,072 alleles (0.00043%); highest among the groups gnomAD compares: Middle Eastern, 0.016%; no homozygotes.

Submissions (4):

PreventionGenetics, part of Exact Sciences
Classification: Likely pathogenic for LIPE-related condition. Last evaluated: 2026-05-21. Review status: criteria provided, single submitter. Criteria: ACMG Guidelines, 2015. Collection method: clinical testing. Allele origin: germline.
Comment: The LIPE c.2152C>T variant is predicted to result in premature protein termination (p.Arg718*). To our knowledge, this variant has not been reported in the literature. This variant is reported in 0.0029% of alleles in individuals of Latino descent in gnomAD. Nonsense variants in LIPE are expected to be pathogenic. This variant is interpreted as likely pathogenic.

First Genomix Gene Laboratory, Genetic Diagnostics Department
Classification: Likely pathogenic for LIPE-related familial partial lipodystrophy. Last evaluated: 2025-05-30. Review status: criteria provided, single submitter. Criteria: ACMG Guidelines, 2015. Collection method: clinical testing. Allele origin: germline. Inheritance: Autosomal recessive inheritance. Affected: no. Observed: 1 variant allele.

Genomic Medicine Center of Excellence, King Faisal Specialist Hospital and Research Centre
Classification: Likely pathogenic for LIPE-related familial partial lipodystrophy. Last evaluated: 2024-03-26. Review status: criteria provided, single submitter. Criteria: ACMG Guidelines, 2015. Collection method: clinical testing. Allele origin: germline.

Baylor Genetics
Classification: Likely pathogenic for LIPE-related familial partial lipodystrophy. Last evaluated: 2019-07-31. Review status: criteria provided, single submitter. Criteria: ACMG Guidelines, 2015. Collection method: clinical testing. Allele origin: maternal. Affected: yes.
Comment: This variant was determined to be likely pathogenic according to ACMG Guidelines, 2015 [PMID:25741868].